The following is an entry in ClinVar:

NM_001127511.3(APC):c.-25G>A

Gene: APC (APC regulator of Wnt signaling pathway; plus strand). Cytogenetic location: 5q22.2.
Variant type: single nucleotide variant.
Coding change: c.-25G>A on transcript NM_001127511.3; 25 bases upstream of the start codon, G replaced by A.
Molecular consequence: 5 prime UTR variant. On other transcripts: non-coding transcript variant (1), intron variant (5).
Genome position (GRCh38, 1-based): chr5:112,707,693, G>A. VCF-style: chr5-112707693-G-A. GRCh37 (hg19) VCF-style: chr5-112043390-G-A.
Other names: c.-208G>A (NM_001354895.2, NM_001407447.1, NM_001407452.1 and 3 more transcripts); c.-25G>A (NM_001354897.2, NM_001354902.2, NM_001407446.1); c.-1243G>A (NM_001407470.1, NM_001407472.1); c.-19+44G>A (NM_001407448.1, NM_001407450.1, NM_001407457.1 and 1 more transcripts); c.-43+44G>A (NM_001407453.1).
Identifiers: ClinVar variation 1407734 (VCV001407734.7), dbSNP rs2149630270, ClinGen allele CA2573138796.

ClinVar aggregate classification (germline): Uncertain significance (1 of 4 stars; one submission).

Conditions:
Familial adenomatous polyposis 1 (FAP1). Also called: FAMILIAL ADENOMATOUS POLYPOSIS 1, ATTENUATED; POLYPOSIS, ADENOMATOUS INTESTINAL. Identifiers: MedGen C2713442, MONDO:0021056, OMIM 175100. Disease mechanism: loss of function.

Submission:

Labcorp Genetics (formerly Invitae), Labcorp
Classification: Uncertain significance for Familial adenomatous polyposis 1. Last evaluated: 2021-10-01. Review status: criteria provided, single submitter. Criteria: Invitae Variant Classification Sherloc (09022015). Collection method: clinical testing. Allele origin: germline.
Comment: This variant occurs in a non-coding region of the APC gene. It does not change the encoded amino acid sequence of the APC protein. In summary, the available evidence is currently insufficient to determine the role of this variant in disease. Therefore, it has been classified as a Variant of Uncertain Significance. Experimental studies and prediction algorithms are not available or were not evaluated, and the functional significance of this variant is currently unknown. This variant has not been reported in the literature in individuals affected with APC-related conditions. The frequency data for this variant in the population databases is considered unreliable, as metrics indicate insufficient coverage at this position in the ExAC database.